The following is an entry in ClinVar:

ClinVar aggregate classification (germline): Uncertain significance (1 of 4 stars; one submission).

Allele frequency attached by ClinVar (database versions not stated): gnomAD 0.00001; gnomAD exomes 0.00001; TOPMed 0.00001; ExAC 0.00002.
gnomAD v4.1: 11 of 1,613,978 alleles (0.00068%); highest among the groups gnomAD compares: Admixed American, 0.005%; no homozygotes.

Submission:

Labcorp Genetics (formerly Invitae), Labcorp
Classification: Uncertain significance. Last evaluated: 2022-08-10. Review status: criteria provided, single submitter. Criteria: Invitae Variant Classification Sherloc (09022015). Collection method: clinical testing. Allele origin: germline.
Comment: In summary, the available evidence is currently insufficient to determine the role of this variant in disease. Therefore, it has been classified as a Variant of Uncertain Significance. Algorithms developed to predict the effect of missense changes on protein structure and function are either unavailable or do not agree on the potential impact of this missense change (SIFT: "Deleterious"; PolyPhen-2: "Probably Damaging"; Align-GVGD: "Class C0"). ClinVar contains an entry for this variant (Variation ID: 943754). This variant has not been reported in the literature in individuals affected with VCAN-related conditions. This variant is present in population databases (rs775913629, gnomAD 0.003%). This sequence change replaces isoleucine, which is neutral and non-polar, with threonine, which is neutral and polar, at codon 493 of the VCAN protein (p.Ile493Thr).

NM_004385.5(VCAN):c.1478T>C (p.Ile493Thr)

Gene: VCAN (versican; plus strand). Cytogenetic location: 5q14.3.
Variant type: single nucleotide variant.
Coding change: c.1478T>C on transcript NM_004385.5 (MANE Select); coding-DNA position 1478, T replaced by C.
Protein change: p.Ile493Thr; replaces isoleucine 493 with threonine.
Molecular consequence: missense variant. On other transcripts: intron variant (2).
Genome position (GRCh38, 1-based): chr5:83,519,784, T>C. VCF-style: chr5-83519784-T-C. GRCh37 (hg19) VCF-style: chr5-82815603-T-C.
Other names: c.1478T>C, p.Ile493Thr (NM_001164098.2); c.1042+7388T>C (NM_001164097.2, NM_001126336.3); short protein forms I493T.
Identifiers: ClinVar variation 943754 (VCV000943754.7), dbSNP rs775913629, ClinGen allele CA3332686.